The following is an entry in ClinVar:

NM_000059.4(BRCA2):c.5217T>A (p.Tyr1739Ter)

Gene: BRCA2 (BRCA2 DNA repair associated; plus strand). Cytogenetic location: 13q13.1.
Variant type: single nucleotide variant.
Coding change: c.5217T>A on transcript NM_000059.4 (MANE Select); coding-DNA position 5217, T replaced by A.
Protein change: p.Tyr1739Ter; replaces tyrosine 1739 with a stop codon.
Molecular consequence: nonsense.
Genome position (GRCh38, 1-based): chr13:32,339,572, T>A. VCF-style: chr13-32339572-T-A. GRCh37 (hg19) VCF-style: chr13-32913709-T-A.
Other names: short protein forms Y1739*.
Identifiers: ClinVar variation 51819 (VCV000051819.16), dbSNP rs80358746, ClinGen allele CA021745.

ClinVar aggregate classification (germline): Pathogenic. Review status: reviewed by expert panel (3 of 4 stars). 5 submissions from 5 submitters: Pathogenic (1). 4 of the submissions do not count toward it. Last evaluated 2016-09-08.

Conditions:
Hereditary breast ovarian cancer syndrome. Also called: Hereditary breast and ovarian cancer syndrome; Hereditary breast and ovarian cancer; Hereditary breast and ovarian cancer syndrome (HBOC); Breast and ovarian cancer; Hereditary breast and/or ovarian cancer syndrome; BRCA1- and BRCA2-Associated Hereditary Breast and Ovarian Cancer. Identifiers: Orphanet 145, MedGen C0677776, MeSH D061325, MONDO:0003582. Disease mechanism: loss of function.
Hereditary cancer-predisposing syndrome. Also called: Neoplastic Syndromes, Hereditary; Tumor predisposition; Hereditary neoplastic syndrome; Hereditary Cancer Syndrome. Identifiers: Orphanet 140162, MedGen C0027672, MeSH D009386, MONDO:0015356.
Breast-ovarian cancer, familial, susceptibility to, 2 (BROVCA2). Also called: BRCA2 Hereditary Breast and Ovarian Cancer. Identifiers: Orphanet 145, MedGen C2675520, MONDO:0012933, OMIM 612555. Disease mechanism: loss of function.

Submissions (5):

Evidence-based Network for the Interpretation of Germline Mutant Alleles (ENIGMA)
Classification: Pathogenic for Breast-ovarian cancer, familial, susceptibility to, 2. Last evaluated: 2016-09-08. Review status: reviewed by expert panel. Criteria: ENIGMA BRCA1/2 Classification Criteria (2015). Collection method: curation. Allele origin: germline.
Comment: Variant allele predicted to encode a truncated non-functional protein.

Ambry Genetics
Classification: Pathogenic for Hereditary cancer-predisposing syndrome. Last evaluated: 2023-01-11. Review status: criteria provided, single submitter. Criteria: Ambry Variant Classification Scheme 2023. Collection method: clinical testing. Allele origin: germline. Not counted in ClinVar's aggregate classification.
Comment: The p.Y1739* pathogenic mutation (also known as c.5217T>A), located in coding exon 10 of the BRCA2 gene, results from a T to A substitution at nucleotide position 5217. This changes the amino acid from a tyrosine to a stop codon within coding exon 10. This alteration is expected to result in loss of function by premature protein truncation or nonsense-mediated mRNA decay. As such, this alteration is interpreted as a disease-causing mutation.

Labcorp Genetics (formerly Invitae), Labcorp
Classification: Pathogenic for Hereditary breast ovarian cancer syndrome. Last evaluated: 2022-01-28. Review status: criteria provided, single submitter. Criteria: Invitae Variant Classification Sherloc (09022015). Collection method: clinical testing. Allele origin: germline. Not counted in ClinVar's aggregate classification.
Comment: This premature translational stop signal has been observed in individual(s) with increased risk of breast and/or ovarian cancer (PMID: 29446198). For these reasons, this variant has been classified as Pathogenic. ClinVar contains an entry for this variant (Variation ID: 51819). This variant is not present in population databases (gnomAD no frequency). This sequence change creates a premature translational stop signal (p.Tyr1739*) in the BRCA2 gene. It is expected to result in an absent or disrupted protein product. Loss-of-function variants in BRCA2 are known to be pathogenic (PMID: 20104584).

Consortium of Investigators of Modifiers of BRCA1/2 (CIMBA), c/o University of Cambridge
Classification: Pathogenic for Breast-ovarian cancer, familial, susceptibility to, 2. Last evaluated: 2015-10-02. Review status: criteria provided, single submitter. Criteria: CIMBA Mutation Classification guidelines May 2016. Collection method: clinical testing. Allele origin: germline. Not counted in ClinVar's aggregate classification.

Breast Cancer Information Core (BIC) (BRCA2)
Classification: Pathogenic for Breast-ovarian cancer, familial 2. Last evaluated: 2004-02-20. Review status: no assertion criteria provided. Collection method: clinical testing. Allele origin: germline. Affected: yes. Observed: 1 variant allele. Not counted in ClinVar's aggregate classification.

Literature cited by the submitters: PubMed 29446198 (cited by Labcorp Genetics (formerly Invitae), Labcorp); PubMed 20104584 (cited by Labcorp Genetics (formerly Invitae), Labcorp).